The following is an entry in ClinVar:

NM_001374353.1(GLI2):c.4127T>G (p.Leu1376Arg)

Gene: GLI2 (GLI family zinc finger 2; plus strand). Cytogenetic location: 2q14.2.
Variant type: single nucleotide variant.
Coding change: c.4127T>G on transcript NM_001374353.1 (MANE Select); coding-DNA position 4127, T replaced by G.
Protein change: p.Leu1376Arg; replaces leucine 1376 with arginine.
Molecular consequence: missense variant.
Genome position (GRCh38, 1-based): chr2:120,990,092, T>G. VCF-style: chr2-120990092-T-G. GRCh37 (hg19) VCF-style: chr2-121747668-T-G.
Other names: c.4178T>G, p.Leu1393Arg (NM_001371271.1, NM_005270.5); c.3752T>G, p.Leu1251Arg (NM_001374354.1); short protein forms L1251R, L1376R, L1393R.
Identifiers: ClinVar variation 2287611 (VCV002287611.6), dbSNP rs778605920, ClinGen allele CA1852558.
Genomic context (GRCh38, chr2:120,990,092, plus strand): 5'-CTCCCCTCGAGCCCAGCCCCACTGGCCGCCACCGTGGGGTACGTGCTGTGCAGCAGCAGC[T>G]GGCCTACGCCAGGGCCACAGGCCATGCCATGGCTGCCATGCCGTCCAGTCAGGAAACAGC-3'
Protein context (NP_001361282.1, residues 1366-1386): HRGVRAVQQQ[Leu1376Arg]AYARATGHAM

ClinVar aggregate classification (germline): Uncertain significance. Review status: criteria provided, multiple submitters, no conflicts (2 of 4 stars). 2 submissions from 2 submitters: Uncertain significance (2). Last evaluated 2025-10-17.

Conditions:
Inborn genetic diseases. Identifiers: MedGen C0950123, MeSH D030342.
Holoprosencephaly 9 (HPE9). Also called: PITUITARY ANOMALIES WITH HOLOPROSENCEPHALY-LIKE FEATURES; HOLOPROSENCEPHALY WITH MICROPHTHALMIA AND FIRST BRANCHIAL ARCH ANOMALIES. Identifiers: Orphanet 2162, MedGen C1835819, MONDO:0012563, OMIM 610829.
Postaxial polydactyly-anterior pituitary anomalies-facial dysmorphism syndrome. Also called: Culler-Jones syndrome. Identifiers: Orphanet 420584, MedGen C4014479, MONDO:0014369, OMIM 615849.

Allele frequency attached by ClinVar (database versions not stated): gnomAD 0.00001; gnomAD exomes 0.00001; TOPMed 0.00001; ExAC 0.00003.
gnomAD v4.1: 17 of 1,598,534 alleles (0.0011%); highest among the groups gnomAD compares: Middle Eastern, 0.1%; no homozygotes.

Submissions (2):

Ambry Genetics
Classification: Uncertain significance for Inborn genetic diseases. Last evaluated: 2025-10-17. Review status: criteria provided, single submitter. Criteria: Ambry Variant Classification Scheme 2023. Collection method: clinical testing. Allele origin: germline.

Labcorp Genetics (formerly Invitae), Labcorp
Classification: Uncertain significance for Postaxial polydactyly-anterior pituitary anomalies-facial dysmorphism syndrome; Holoprosencephaly 9. Last evaluated: 2023-01-06. Review status: criteria provided, single submitter. Criteria: Invitae Variant Classification Sherloc (09022015). Collection method: clinical testing. Allele origin: germline.
Comment: In summary, the available evidence is currently insufficient to determine the role of this variant in disease. Therefore, it has been classified as a Variant of Uncertain Significance. Algorithms developed to predict the effect of missense changes on protein structure and function (SIFT, PolyPhen-2, Align-GVGD) all suggest that this variant is likely to be tolerated. This variant has not been reported in the literature in individuals affected with GLI2-related conditions. This variant is present in population databases (rs778605920, gnomAD 0.002%). This sequence change replaces leucine, which is neutral and non-polar, with arginine, which is basic and polar, at codon 1393 of the GLI2 protein (p.Leu1393Arg).